The following is an entry in ClinVar:

ClinVar aggregate classification (germline): Pathogenic (1 of 4 stars; one submission).

Conditions:
Charcot-Marie-Tooth disease type 2. Also called: Charcot-Marie-Tooth type 2. Identifiers: Orphanet 64746, MedGen C0270914, MONDO:0018993.

Submission:

Labcorp Genetics (formerly Invitae), Labcorp
Classification: Pathogenic for Charcot-Marie-Tooth disease type 2. Last evaluated: 2025-06-17. Review status: criteria provided, single submitter. Criteria: Invitae Variant Classification Sherloc (09022015). Collection method: clinical testing. Allele origin: germline.
Comment: This variant results in the deletion of part of exon 16 (c.1717-30_1771del) of the MFN2 gene. It is expected to disrupt RNA splicing. Variants that disrupt the donor or acceptor splice site typically lead to a loss of protein function (PMID: 16199547), and loss-of-function variants in MFN2 are known to be pathogenic (PMID: 16714318, 16835246, 21715711, 23781337, 26955893). This variant is not present in population databases (gnomAD no frequency). This variant has been observed in individual(s) with clinical features of Charcot-Marie-Tooth disease (internal data). In at least one individual the data is consistent with being in trans (on the opposite chromosome) from a pathogenic variant. For these reasons, this variant has been classified as Pathogenic.

Literature cited by the submitters: PubMed 16199547; PubMed 16714318; PubMed 16835246; PubMed 21715711; PubMed 23781337; PubMed 26955893.

NM_014874.4(MFN2):c.1717-30_1771del

Gene: MFN2 (mitofusin 2; plus strand). Cytogenetic location: 1p36.22.
Variant type: Deletion.
Coding change: c.1717-30_1771del on transcript NM_014874.4 (MANE Select); 30 bases into the intron before coding-DNA position 1717 through coding-DNA position 1771, 85 bases deleted.
Molecular consequence: splice acceptor variant.
Genome position (GRCh38, 1-based): chr1:12,006,508-12,006,592, 85 bases deleted. GRCh37 (hg19): chr1:12,066,565-12,066,649.
Other names: c.1717-30_1771del (NM_001127660.2).
Identifiers: ClinVar variation 4721616 (VCV004721616.1).